The following is an entry in ClinVar:

NM_001382391.1(CSPP1):c.650A>G (p.Tyr217Cys)

Gene: CSPP1 (centrosome and spindle pole associated protein 1; plus strand). Cytogenetic location: 8q13.1.
Variant type: single nucleotide variant.
Coding change: c.650A>G on transcript NM_001382391.1 (MANE Select); coding-DNA position 650, A replaced by G.
Protein change: p.Tyr217Cys; replaces tyrosine 217 with cysteine.
Molecular consequence: missense variant. On other transcripts: 5 prime UTR variant (1).
Genome position (GRCh38, 1-based): chr8:67,095,459, A>G. VCF-style: chr8-67095459-A-G. GRCh37 (hg19) VCF-style: chr8-68007694-A-G.
Other names: c.-206A>G (NM_001291339.2); c.569A>G, p.Tyr190Cys (NM_001363131.2, NM_001363133.2); c.650A>G, p.Tyr217Cys (NM_001363132.2); c.758A>G, p.Tyr253Cys (NM_001364869.1); c.677A>G, p.Tyr226Cys (NM_001364870.1, NM_024790.7); short protein forms Y217C, Y226C, Y190C, Y253C.
Identifiers: ClinVar variation 857828 (VCV000857828.11), dbSNP rs747784602, ClinGen allele CA4770328.
Genomic context (GRCh38, chr8:67,095,459, plus strand): 5'-TAACTCCTTCAGAGGCATATGAAGAACTTCTGAACCAAAGACGACTAGAGGAGGACAGAT[A>G]CCGACAACTAGATGATGAAATCGAATTAAGGAATAGAAGAATTATTAAAAAAGCAAATGA-3'
Protein context (NP_001369320.1, residues 207-227): LNQRRLEEDR[Tyr217Cys]RQLDDEIELR

ClinVar aggregate classification (germline): Uncertain significance (1 of 4 stars; one submission).

Conditions:
Joubert syndrome 21 (JBTS21). Identifiers: MedGen C3810212, MONDO:0014288, OMIM 615636.

Allele frequency attached by ClinVar (database versions not stated): gnomAD exomes below 0.00001 and 0.00001; TOPMed below 0.00001; ExAC 0.00002.
gnomAD v4.1: 1 of 1,613,590 alleles (0.000062%); highest among the groups gnomAD compares: Non-Finnish European, 0.000085%; no homozygotes.

Submission:

Labcorp Genetics (formerly Invitae), Labcorp
Classification: Uncertain significance for Joubert syndrome 21. Last evaluated: 2025-04-21. Review status: criteria provided, single submitter. Criteria: Invitae Variant Classification Sherloc (09022015). Collection method: clinical testing. Allele origin: germline.
Comment: This sequence change replaces tyrosine, which is neutral and polar, with cysteine, which is neutral and slightly polar, at codon 226 of the CSPP1 protein (p.Tyr226Cys). This variant is present in population databases (rs747784602, gnomAD 0.002%). This variant has not been reported in the literature in individuals affected with CSPP1-related conditions. ClinVar contains an entry for this variant (Variation ID: 857828). An algorithm developed to predict the effect of missense changes on protein structure and function (PolyPhen-2) suggests that this variant is likely to be disruptive. In summary, the available evidence is currently insufficient to determine the role of this variant in disease. Therefore, it has been classified as a Variant of Uncertain Significance.